The following is an entry in ClinVar:

NM_001354768.3(NRL):c.148T>C (p.Ser50Pro)

Gene: NRL (neural retina leucine zipper; minus strand). Cytogenetic location: 14q11.2.
Variant type: single nucleotide variant.
Coding change: c.148T>C on transcript NM_001354768.3 (MANE Select); coding-DNA position 148, T replaced by C.
Protein change: p.Ser50Pro; replaces serine 50 with proline.
Molecular consequence: missense variant. On other transcripts: intron variant (1).
Genome position (GRCh38, 1-based): chr14:24,082,701, A>G on the plus strand (T>C on the coding strand, the complement: NRL is on the minus strand). VCF-style: chr14-24082701-A-G. GRCh37 (hg19) VCF-style: chr14-24551910-A-G.
Other names: c.148T>C, p.Ser50Pro (NM_001354769.1, NM_006177.5); c.66+82T>C (NM_001354770.2); c.148T>C (NM_006177.3); short protein forms S50P.
Identifiers: ClinVar variation 2137571 (VCV002137571.7), dbSNP rs104894459, ClinGen allele CA389281639.

ClinVar aggregate classification (germline): Pathogenic/Likely pathogenic. Review status: criteria provided, multiple submitters, no conflicts (2 of 4 stars). 4 submissions from 4 submitters: Pathogenic (2); Likely pathogenic (2). Last evaluated 2026-03-31.

Conditions:
NRL-related disorder. Also called: NRL-related condition.
Retinal dystrophy. Also called: Inherited retinal dystrophy. Identifiers: Orphanet 71862, MedGen C0854723, MeSH D058499, MONDO:0019118, HP:0000556.
NRL-related disorders.

Submissions (4):

PreventionGenetics, part of Exact Sciences
Classification: Likely pathogenic for NRL-related condition. Last evaluated: 2026-03-31. Review status: criteria provided, single submitter. Criteria: ACMG Guidelines, 2015. Collection method: clinical testing. Allele origin: germline.
Comment: The NRL c.148T>C variant is predicted to result in the amino acid substitution p.Ser50Pro. This variant has been reported to segregate with retinitis pigmentosa in a family pedigree (DeAngelis et al. 2002. PubMed ID: 11879142). This study also reported a different variant that affects this same amino acid residue (p.Ser50Leu), which was also found to segregate with retinitis pigmentosa in an unrelated family pedigree (DeAngelis et al. 2002. PubMed ID: 11879142). An in vitro functional study found that this p.Ser50Pro substitution decreased phosphorylation of the protein and increased its transcription factor activation of the RHO promoter (Kanda et al. 2007. PubMed ID: 17335001). This variant has not been reported in a large population database (gnomAD), indicating it is rare. Given all the evidence, we interpret c.148T>C (p.Ser50Pro) as likely pathogenic for autosomal dominant disease.

Labcorp Genetics (formerly Invitae), Labcorp
Classification: Pathogenic. Last evaluated: 2022-08-03. Review status: criteria provided, single submitter. Criteria: Invitae Variant Classification Sherloc (09022015). Collection method: clinical testing. Allele origin: germline.
Comment: This variant disrupts the p.Ser50 amino acid residue in NRL. Other variant(s) that disrupt this residue have been determined to be pathogenic (PMID: 11879142, 17335001, 33691693). This suggests that this residue is clinically significant, and that variants that disrupt this residue are likely to be disease-causing. Experimental studies have shown that this missense change affects NRL function (PMID: 17335001). Algorithms developed to predict the effect of missense changes on protein structure and function (SIFT, PolyPhen-2, Align-GVGD) all suggest that this variant is likely to be disruptive. This missense change has been observed in individuals with autosomal dominant retinitis pigmentosa (PMID: 11879142; Invitae). It has also been observed to segregate with disease in related individuals. This variant is not present in population databases (gnomAD no frequency). This sequence change replaces serine, which is neutral and polar, with proline, which is neutral and non-polar, at codon 50 of the NRL protein (p.Ser50Pro). For these reasons, this variant has been classified as Pathogenic.

Blueprint Genetics
Classification: Pathogenic for NRL-related disorders. Last evaluated: 2021-10-25. Review status: criteria provided, single submitter. Criteria: ACMG Guidelines, 2015. Collection method: clinical testing. Allele origin: germline. Affected: yes. Observed: 2 variant alleles.

Institute of Human Genetics, Univ. Regensburg, Univ. Regensburg
Classification: Likely pathogenic for Retinal dystrophy. Last evaluated: 2014-01-01. Review status: criteria provided, single submitter. Criteria: ACMG Guidelines, 2015. Collection method: clinical testing. Allele origin: germline. Affected: yes.

Literature cited by the submitters: PubMed 11879142 (cited by Labcorp Genetics (formerly Invitae), Labcorp and Institute of Human Genetics, Univ. Regensburg, Univ. Regensburg); PubMed 17335001 (cited by Labcorp Genetics (formerly Invitae), Labcorp); PubMed 33691693 (cited by Labcorp Genetics (formerly Invitae), Labcorp); PubMed 17335 (cited by Institute of Human Genetics, Univ. Regensburg, Univ. Regensburg).